The following is an entry in ClinVar:

ClinVar aggregate classification (germline): Uncertain significance. Review status: criteria provided, multiple submitters, no conflicts (2 of 4 stars). 2 submissions from 2 submitters: Uncertain significance (2). Last evaluated 2026-01-14.

Conditions:
Duchenne muscular dystrophy (DMD). Also called: Duchenne Muscular Dystrophy (DMD); MUSCULAR DYSTROPHY, PSEUDOHYPERTROPHIC PROGRESSIVE, DUCHENNE TYPE. Identifiers: Orphanet 98896, MedGen C0013264, MONDO:0010679, OMIM 310200.

Submissions (2):

Labcorp Genetics (formerly Invitae), Labcorp
Classification: Uncertain significance for Duchenne muscular dystrophy. Last evaluated: 2026-01-14. Review status: criteria provided, single submitter. Criteria: Invitae Variant Classification Sherloc (09022015). Collection method: clinical testing. Allele origin: germline.
Comment: This sequence change replaces glycine, which is neutral and non-polar, with glutamic acid, which is acidic and polar, at codon 3677 of the DMD protein (p.Gly3677Glu). This variant is not present in population databases (gnomAD no frequency). This variant has not been reported in the literature in individuals affected with DMD-related conditions. ClinVar contains an entry for this variant (Variation ID: 2440828). Invitae Evidence Modeling of protein sequence and biophysical properties (such as structural, functional, and spatial information, amino acid conservation, physicochemical variation, residue mobility, and thermodynamic stability) indicates that this missense variant is not expected to disrupt DMD protein function with a negative predictive value of 95%. In summary, the available evidence is currently insufficient to determine the role of this variant in disease. Therefore, it has been classified as a Variant of Uncertain Significance.

Revvity Omics, Revvity
Classification: Uncertain significance. Last evaluated: 2021-05-11. Review status: criteria provided, single submitter. Criteria: ACMG Guidelines, 2015. Collection method: clinical testing. Allele origin: germline.

NM_004006.3(DMD):c.11030G>A (p.Gly3677Glu)

Gene: DMD (dystrophin; minus strand). Cytogenetic location: Xp21.2.
Variant type: single nucleotide variant.
Coding change: c.11030G>A on transcript NM_004006.3 (MANE Select); coding-DNA position 11030, G replaced by A.
Protein change: p.Gly3677Glu; replaces glycine 3677 with glutamic acid.
Molecular consequence: missense variant. On other transcripts: intron variant (5).
Genome position (GRCh38, 1-based): chrX:31,126,658, C>T on the plus strand (G>A on the coding strand, the complement: DMD is on the minus strand). VCF-style: chrX-31126658-C-T. GRCh37 (hg19) VCF-style: chrX-31144775-C-T.
Other names: c.11006G>A, p.Gly3669Glu (NM_000109.4); c.11018G>A, p.Gly3673Glu (NM_004009.3); c.10661G>A, p.Gly3554Glu (NM_004010.3); c.7007G>A, p.Gly2336Glu (NM_004011.4); c.6998G>A, p.Gly2333Glu (NM_004012.4); c.3650G>A, p.Gly1217Glu (NM_004013.3); c.2843G>A, p.Gly948Glu (NM_004014.3); c.1826G>A, p.Gly609Glu (NM_004015.3); and 7 more; short protein forms G1107E, G1217E, G2333E, G2336E, G3554E, G3669E, G3673E, G3677E.
Identifiers: ClinVar variation 2440828 (VCV002440828.4), dbSNP rs2519115957, ClinGen allele CA412654984.